The following is an entry in ClinVar:

NM_017721.5(CC2D1A):c.1443G>A (p.Ala481=)

Gene: CC2D1A (coiled-coil and C2 domain containing 1A; plus strand). Cytogenetic location: 19p13.12.
Variant type: single nucleotide variant.
Coding change: c.1443G>A on transcript NM_017721.5 (MANE Select); coding-DNA position 1443, G replaced by A.
Protein change: p.Ala481=; no amino-acid change (alanine 481 retained).
Molecular consequence: synonymous variant.
Genome position (GRCh38, 1-based): chr19:13,920,643, G>A. VCF-style: chr19-13920643-G-A. GRCh37 (hg19) VCF-style: chr19-14031456-G-A.
Other names: c.1443G>A, p.Ala481= (NM_001411138.1).
Identifiers: ClinVar variation 3719386 (VCV003719386.7).
Genomic context (GRCh38, chr19:13,920,643, plus strand): 5'-CCAGCCCAAAGCCCCACCCTCAAGAACTCCCCAGTCGGGATCAGCCCCAACAGCCAAAGC[G>A]CCCCCCAAAGCCACATCCACCAGAGGTAAGTTCCCCCTCCCCGCCCCAGCTGCCTGTTGC-3'
Protein context (NP_060191.3, residues 471-491): PQSGSAPTAK[Ala481=]PPKATSTRAQ

ClinVar aggregate classification (germline): Likely benign. Review status: criteria provided, multiple submitters, no conflicts (2 of 4 stars). 3 submissions from 3 submitters: Likely benign (3). Last evaluated 2026-02-01.

gnomAD v4.1: 37 of 1,608,690 alleles (0.0023%); highest among the groups gnomAD compares: Middle Eastern, 0.016%; 1 homozygote.

Submissions (3):

CeGaT Center for Human Genetics Tuebingen
Classification: Likely benign. Last evaluated: 2026-02-01. Review status: criteria provided, single submitter. Criteria: CeGaT Center For Human Genetics Tuebingen Variant Classification Criteria Version 2. Collection method: clinical testing. Allele origin: germline. Affected: yes. Observed: 1 variant allele.
Comment: CC2D1A: BP4, BP7

Labcorp Genetics (formerly Invitae), Labcorp
Classification: Likely benign. Last evaluated: 2024-02-17. Review status: criteria provided, single submitter. Criteria: Invitae Variant Classification Sherloc (09022015). Collection method: clinical testing. Allele origin: germline.

Blueprint Genetics
Classification: Likely benign. Last evaluated: 2020-12-14. Review status: criteria provided, single submitter. Criteria: ACMG Guidelines, 2015. Collection method: clinical testing. Allele origin: germline.